The following is an entry in ClinVar:

ClinVar aggregate classification (germline): Uncertain significance (1 of 4 stars; one submission).

Conditions:
Ullrich congenital muscular dystrophy 2 (UCMD2). Identifiers: Orphanet 75840, MedGen C4225314, MONDO:0014654, OMIM 616470.
Bethlem myopathy 2 (BTHLM2). Identifiers: Orphanet 536516, Orphanet 610, MedGen C4225313, MONDO:0034022, OMIM 616471.

Submission:

Labcorp Genetics (formerly Invitae), Labcorp
Classification: Uncertain significance for Bethlem myopathy 2; Ullrich congenital muscular dystrophy 2. Last evaluated: 2021-08-24. Review status: criteria provided, single submitter. Criteria: Invitae Variant Classification Sherloc (09022015). Collection method: clinical testing. Allele origin: germline.
Comment: This sequence change replaces glycine with alanine at codon 656 of the COL12A1 protein (p.Gly656Ala). The glycine residue is moderately conserved and there is a small physicochemical difference between glycine and alanine. This variant is not present in population databases (ExAC no frequency). This variant has not been reported in the literature in individuals affected with COL12A1-related conditions. Algorithms developed to predict the effect of missense changes on protein structure and function (SIFT, PolyPhen-2, Align-GVGD) all suggest that this variant is likely to be tolerated. In summary, the available evidence is currently insufficient to determine the role of this variant in disease. Therefore, it has been classified as a Variant of Uncertain Significance.

NM_004370.6(COL12A1):c.1967G>C (p.Gly656Ala)

Gene: COL12A1 (collagen type XII alpha 1 chain; minus strand). Cytogenetic location: 6q13.
Variant type: single nucleotide variant.
Coding change: c.1967G>C on transcript NM_004370.6 (MANE Select); coding-DNA position 1967, G replaced by C.
Protein change: p.Gly656Ala; replaces glycine 656 with alanine.
Molecular consequence: missense variant. On other transcripts: intron variant (1).
Genome position (GRCh38, 1-based): chr6:75,181,136, C>G on the plus strand (G>C on the coding strand, the complement: COL12A1 is on the minus strand). VCF-style: chr6-75181136-C-G. GRCh37 (hg19) VCF-style: chr6-75890852-C-G.
Other names: c.73+21584G>C (NM_080645.3); short protein forms G656A.
Identifiers: ClinVar variation 1500799 (VCV001500799.6), dbSNP rs2149462234, ClinGen allele CA364767413.